The following is an entry in ClinVar:

NM_001385012.1(NBEA):c.3182C>T (p.Ala1061Val)

Gene: NBEA (neurobeachin; plus strand). Cytogenetic location: 13q13.3.
Variant type: single nucleotide variant.
Coding change: c.3182C>T on transcript NM_001385012.1 (MANE Select); coding-DNA position 3182, C replaced by T.
Protein change: p.Ala1061Val; replaces alanine 1061 with valine.
Molecular consequence: missense variant.
Genome position (GRCh38, 1-based): chr13:35,159,353, C>T. VCF-style: chr13-35159353-C-T. GRCh37 (hg19) VCF-style: chr13-35733490-C-T.
Other names: c.3182C>T, p.Ala1061Val (NM_001379245.1, NM_015678.5); short protein forms A1061V.
Identifiers: ClinVar variation 3769280 (VCV003769280.2).
Genomic context (GRCh38, chr13:35,159,353, plus strand): 5'-CAGATAGACCAGGAAGTGGTGTACATGTGGAAGTACATGATCTTTTAGTAGATATAAAAG[C>T]AGAGAAAGTGGAAGCAACAGAAGTAAAGCTCGATGATATGGATTTATCACCGGAGACTTT-3'
Protein context (NP_001371941.1, residues 1051-1071): EVHDLLVDIK[Ala1061Val]EKVEATEVKL

ClinVar aggregate classification (germline): Uncertain significance (1 of 4 stars; one submission).

Submission:

Women's Health and Genetics/Laboratory Corporation of America, LabCorp
Classification: Uncertain significance. Last evaluated: 2025-01-03. Review status: criteria provided, single submitter. Criteria: LabCorp Variant Classification Summary - May 2015. Collection method: clinical testing. Allele origin: germline.
Comment: Variant summary: NBEA c.3182C>T (p.Ala1061Val) results in a non-conservative amino acid change in the encoded protein sequence. Three of four in-silico tools predict a damaging effect of the variant on protein function. The variant was absent in 248282 control chromosomes. The available data on variant occurrences in the general population are insufficient to allow any conclusion about variant significance. To our knowledge, no occurrence of c.3182C>T in individuals affected with Neurodevelopmental Disorder With Or Without Early-Onset Generalized Epilepsy and no experimental evidence demonstrating its impact on protein function have been reported. No submitters have cited clinical-significance assessments for this variant to ClinVar. Based on the evidence outlined above, the variant was classified as uncertain significance.